The following is an entry in ClinVar:

ClinVar aggregate classification (germline): Uncertain significance. Review status: criteria provided, multiple submitters, no conflicts (2 of 4 stars). 2 submissions from 2 submitters: Uncertain significance (2). Last evaluated 2024-11-17.

Conditions:
Inborn genetic diseases. Identifiers: MedGen C0950123, MeSH D030342.
Acute myeloid leukemia (AML). Also called: Leukemia, acute myeloid, somatic; Leukemia, acute myelogenous, somatic; Acute myeloid leukemia, adult; AML adult; Acute non-lymphocytic leukemia; Acute granulocytic leukemia. Identifiers: Orphanet 519, MedGen C0023467, MeSH D015470, MONDO:0018874, OMIM 601626, HP:0004808. Disease mechanism: Constitutively activated FLT3.

Allele frequency attached by ClinVar (database versions not stated): gnomAD 0.00001.
gnomAD v4.1: 4 of 1,306,932 alleles (0.00031%); highest among the groups gnomAD compares: Admixed American, 0.0034%; no homozygotes.

Submissions (2):

Ambry Genetics
Classification: Uncertain significance for Inborn genetic diseases. Last evaluated: 2024-11-17. Review status: criteria provided, single submitter. Criteria: Ambry Variant Classification Scheme 2023. Collection method: clinical testing. Allele origin: germline.
Comment: The p.P192L variant (also known as c.575C>T), located in coding exon 1 of the CEBPA gene, results from a C to T substitution at nucleotide position 575. The proline at codon 192 is replaced by leucine, an amino acid with similar properties. This amino acid position is conserved. In addition, this alteration is predicted to be tolerated by in silico analysis. Based on the available evidence, the clinical significance of this variant remains unclear.

Labcorp Genetics (formerly Invitae), Labcorp
Classification: Uncertain significance for Acute myeloid leukemia. Last evaluated: 2021-11-14. Review status: criteria provided, single submitter. Criteria: Invitae Variant Classification Sherloc (09022015). Collection method: clinical testing. Allele origin: germline.
Comment: In summary, the available evidence is currently insufficient to determine the role of this variant in disease. Therefore, it has been classified as a Variant of Uncertain Significance. Algorithms developed to predict the effect of missense changes on protein structure and function (SIFT, PolyPhen-2, Align-GVGD) all suggest that this variant is likely to be tolerated. This variant has not been reported in the literature in individuals affected with CEBPA-related conditions. This variant is not present in population databases (gnomAD no frequency). This sequence change replaces proline, which is neutral and non-polar, with leucine, which is neutral and non-polar, at codon 192 of the CEBPA protein (p.Pro192Leu).

NM_004364.5(CEBPA):c.575C>T (p.Pro192Leu)

Gene: CEBPA (CCAAT enhancer binding protein alpha; minus strand). Cytogenetic location: 19q13.11.
Variant type: single nucleotide variant.
Coding change: c.575C>T on transcript NM_004364.5 (MANE Select); coding-DNA position 575, C replaced by T.
Protein change: p.Pro192Leu; replaces proline 192 with leucine.
Molecular consequence: missense variant.
Genome position (GRCh38, 1-based): chr19:33,301,840, G>A on the plus strand (C>T on the coding strand, the complement: CEBPA is on the minus strand). VCF-style: chr19-33301840-G-A. GRCh37 (hg19) VCF-style: chr19-33792746-G-A.
Other names: c.575C>T (NM_004364.3); c.218C>T, p.Pro73Leu (NM_001285829.2); c.680C>T, p.Pro227Leu (NM_001287424.2); c.533C>T, p.Pro178Leu (NM_001287435.2); short protein forms P227L, P178L, P192L, P73L.
Identifiers: ClinVar variation 1361313 (VCV001361313.7), dbSNP rs1247330890, ClinGen allele CA405274661.